The following is an entry in ClinVar:

NM_004725.4(BUB3):c.501G>A (p.Met167Ile)

Gene: BUB3 (BUB3 mitotic checkpoint protein; plus strand). Cytogenetic location: 10q26.13.
Variant type: single nucleotide variant.
Coding change: c.501G>A on transcript NM_004725.4 (MANE Select); coding-DNA position 501, G replaced by A.
Protein change: p.Met167Ile; replaces methionine 167 with isoleucine.
Molecular consequence: missense variant.
Genome position (GRCh38, 1-based): chr10:123,160,490, G>A. VCF-style: chr10-123160490-G-A. GRCh37 (hg19) VCF-style: chr10-124920006-G-A.
Other names: c.501G>A, p.Met167Ile (NM_001007793.3); short protein forms M167I.
Identifiers: ClinVar variation 1744816 (VCV001744816.2), dbSNP rs2493763269, ClinGen allele CA378626232.
Genomic context (GRCh38, chr10:123,160,490, plus strand): 5'-AGACCGGCTGATTGTGGGAACAGCAGGCCGCAGAGTGTTGGTGTGGGACTTACGGAACAT[G>A]GGTTACGTGCAGCAGCGCAGGGAGTCCAGCCTGAAATACCAGACTCGCTGCATACGAGCG-3'
Protein context (NP_004716.1, residues 157-177): RRVLVWDLRN[Met167Ile]GYVQQRRESS

ClinVar aggregate classification (germline): Uncertain significance (1 of 4 stars; one submission).

Submission:

Ambry Genetics
Classification: Uncertain significance. Last evaluated: 2021-12-14. Review status: criteria provided, single submitter. Criteria: Ambry Variant Classification Scheme 2023. Collection method: clinical testing. Allele origin: germline.
Comment: The p.M167I variant (also known as c.501G>A), located in coding exon 4 of the BUB3 gene, results from a G to A substitution at nucleotide position 501. The methionine at codon 167 is replaced by isoleucine, an amino acid with highly similar properties. This amino acid position is conserved. In addition, the in silico prediction for this alteration is inconclusive. Since supporting evidence is limited at this time, the clinical significance of this alteration remains unclear.